The following is an entry in ClinVar:

ClinVar aggregate classification (germline): Benign/Likely benign. Review status: criteria provided, multiple submitters, no conflicts (2 of 4 stars). 4 submissions from 4 submitters: Benign (1); Likely benign (3). Last evaluated 2026-07-14.

Conditions:
Rhabdoid tumor predisposition syndrome 2 (RTPS2). Identifiers: Orphanet 231108, Orphanet 69077, MedGen C2750074, MONDO:0013224, OMIM 613325.
Hereditary cancer-predisposing syndrome. Also called: Tumor predisposition; Neoplastic Syndromes, Hereditary; Hereditary Cancer Syndrome; Hereditary neoplastic syndrome. Identifiers: Orphanet 140162, MedGen C0027672, MeSH D009386, MONDO:0015356.

Allele frequency attached by ClinVar (database versions not stated): gnomAD exomes below 0.00001; TOPMed below 0.00001.
gnomAD v4.1: 31 of 1,608,672 alleles (0.0019%); highest among the groups gnomAD compares: Non-Finnish European, 0.0026%; no homozygotes.

Submissions (4):

Myriad Genetics, Inc.
Classification: Benign for Rhabdoid tumor predisposition syndrome 2. Last evaluated: 2026-07-14. Review status: criteria provided, single submitter. Criteria: Myriad Autosomal Dominant, Autosomal Recessive and X-Linked Classification Criteria (2023). Collection method: clinical testing. Allele origin: unknown.
Comment: This variant is considered benign. This variant is a silent/synonymous amino acid change and it is not expected to impact splicing.

Labcorp Genetics (formerly Invitae), Labcorp
Classification: Likely benign for Rhabdoid tumor predisposition syndrome 2. Last evaluated: 2025-11-15. Review status: criteria provided, single submitter. Criteria: Invitae Variant Classification Sherloc (09022015). Collection method: clinical testing. Allele origin: germline.

Sema4
Classification: Likely benign for Hereditary cancer-predisposing syndrome. Last evaluated: 2021-12-22. Review status: criteria provided, single submitter. Criteria: Sema4 Curation Guidelines. Collection method: curation. Allele origin: germline.

Ambry Genetics
Classification: Likely benign for Hereditary cancer-predisposing syndrome. Last evaluated: 2017-07-14. Review status: criteria provided, single submitter. Criteria: Ambry Variant Classification Scheme 2023. Collection method: clinical testing. Allele origin: germline.

NM_003072.5(SMARCA4):c.3462C>G (p.Leu1154=)

Gene: SMARCA4 (SWI/SNF related BAF chromatin remodeling complex subunit ATPase 4; plus strand). Cytogenetic location: 19p13.2.
Variant type: single nucleotide variant.
Coding change: c.3462C>G on transcript NM_003072.5 (MANE Select); coding-DNA position 3462, C replaced by G.
Protein change: p.Leu1154=; no amino-acid change (leucine 1154 retained).
Molecular consequence: synonymous variant. On other transcripts: non-coding transcript variant (1).
Genome position (GRCh38, 1-based): chr19:11,030,809, C>G. VCF-style: chr19-11030809-C-G. GRCh37 (hg19) VCF-style: chr19-11141485-C-G.
Other names: c.3462C>G, p.Leu1154= (NM_001128844.3, NM_001128845.2, NM_001128846.2 and 5 more transcripts).
Identifiers: ClinVar variation 484963 (VCV000484963.18), dbSNP rs1060504465, ClinGen allele CA505492166.